The following is an entry in ClinVar:

NM_058216.3(RAD51C):c.505G>A (p.Val169Met)

Gene: RAD51C (RAD51 paralog C; plus strand). Cytogenetic location: 17q22.
Variant type: single nucleotide variant.
Coding change: c.505G>A on transcript NM_058216.3 (MANE Select); coding-DNA position 505, G replaced by A.
Protein change: p.Val169Met; replaces valine 169 with methionine.
Molecular consequence: missense variant.
Genome position (GRCh38, 1-based): chr17:58,696,793, G>A. VCF-style: chr17-58696793-G-A. GRCh37 (hg19) VCF-style: chr17-56774154-G-A.
Other names: short protein forms V169M.
Identifiers: ClinVar variation 1717767 (VCV001717767.5), dbSNP rs2143747684, ClinGen allele CA400344941.

ClinVar aggregate classification (germline): Uncertain significance (1 of 4 stars; one submission).

Conditions:
Fanconi anemia complementation group O. Also called: RAD51C-Related Fanconi Anemia. Identifiers: Orphanet 84, MedGen C3150653, MONDO:0013248, OMIM 613390.

Submission:

Labcorp Genetics (formerly Invitae), Labcorp
Classification: Uncertain significance for Fanconi anemia complementation group O. Last evaluated: 2024-07-19. Review status: criteria provided, single submitter. Criteria: Invitae Variant Classification Sherloc (09022015). Collection method: clinical testing. Allele origin: germline.
Comment: This sequence change replaces valine, which is neutral and non-polar, with methionine, which is neutral and non-polar, at codon 169 of the RAD51C protein (p.Val169Met). This variant is not present in population databases (gnomAD no frequency). This variant has not been reported in the literature in individuals affected with RAD51C-related conditions. ClinVar contains an entry for this variant (Variation ID: 1717767). Advanced modeling of protein sequence and biophysical properties (such as structural, functional, and spatial information, amino acid conservation, physicochemical variation, residue mobility, and thermodynamic stability) performed at Invitae indicates that this missense variant is not expected to disrupt RAD51C protein function with a negative predictive value of 80%. In summary, the available evidence is currently insufficient to determine the role of this variant in disease. Therefore, it has been classified as a Variant of Uncertain Significance.